The following is an entry in ClinVar:

ClinVar aggregate classification (germline): Likely benign (1 of 4 stars; one submission).

Allele frequency attached by ClinVar (database versions not stated): TOPMed below 0.00001; gnomAD 0.00001.

Submission:

CeGaT Center for Human Genetics Tuebingen
Classification: Likely benign. Last evaluated: 2024-06-01. Review status: criteria provided, single submitter. Criteria: CeGaT Center For Human Genetics Tuebingen Variant Classification Criteria Version 2. Collection method: clinical testing. Allele origin: germline. Affected: yes. Observed: 1 variant allele.
Comment: METTL23: BP4, BP7

NM_001080510.5(METTL23):c.175C>T (p.Leu59=)

Gene: METTL23 (methyltransferase 23, arginine; plus strand). Cytogenetic location: 17q25.1.
Variant type: single nucleotide variant.
Coding change: c.175C>T on transcript NM_001080510.5 (MANE Select); coding-DNA position 175, C replaced by T.
Protein change: p.Leu59=; no amino-acid change (leucine 59 retained).
Molecular consequence: synonymous variant. On other transcripts: 5 prime UTR variant (5).
Genome position (GRCh38, 1-based): chr17:76,733,068, C>T. VCF-style: chr17-76733068-C-T. GRCh37 (hg19) VCF-style: chr17-74729150-C-T.
Other names: c.175C>T, p.Leu59= (NM_001206983.3, NM_001206984.3, NM_001302703.2 and 2 more transcripts); c.-27C>T (NM_001206985.3, NM_001206986.3, NM_001206987.3 and 2 more transcripts); c.163C>T, p.Leu55= (NM_001302705.2, NM_001378350.1, NM_001378351.1 and 2 more transcripts).
Identifiers: ClinVar variation 3250621 (VCV003250621.18), dbSNP rs12602772.